The following is an entry in ClinVar:

NM_000143.4(FH):c.634C>T (p.Gln212Ter)

Gene: FH (fumarate hydratase; minus strand). Cytogenetic location: 1q43.
Variant type: single nucleotide variant.
Coding change: c.634C>T on transcript NM_000143.4 (MANE Select); coding-DNA position 634, C replaced by T.
Protein change: p.Gln212Ter; replaces glutamine 212 with a stop codon.
Molecular consequence: nonsense.
Genome position (GRCh38, 1-based): chr1:241,508,707, G>A on the plus strand (C>T on the coding strand, the complement: FH is on the minus strand). VCF-style: chr1-241508707-G-A. GRCh37 (hg19) VCF-style: chr1-241672007-G-A.
Other names: short protein forms Q212*.
Identifiers: ClinVar variation 460367 (VCV000460367.15), dbSNP rs1553341353, ClinGen allele CA345439351.
Genomic context (GRCh38, chr1:241,508,707, plus strand): 5'-CAATCTTGATGATCTGTGCAAACTCTTTGGATTTTGCATCAAGAGCATCATGTAACTTCT[G>A]TAGTCCTGGTAACAGTACTTCATGAACTTCTATTGCAGCAGCAATGTGCATTGCTGTGGG-3'

ClinVar aggregate classification (germline): Pathogenic/Likely pathogenic. Review status: criteria provided, multiple submitters, no conflicts (2 of 4 stars). 3 submissions from 3 submitters: Pathogenic (2); Likely pathogenic (1). Last evaluated 2026-01-26.

Conditions:
Hereditary cancer-predisposing syndrome. Also called: Hereditary neoplastic syndrome; Tumor predisposition; Neoplastic Syndromes, Hereditary; Hereditary Cancer Syndrome. Identifiers: Orphanet 140162, MedGen C0027672, MeSH D009386, MONDO:0015356.
Hereditary leiomyomatosis and renal cell cancer. Also called: Familial leiomyomatosis; MULTIPLE CUTANEOUS AND UTERINE LEIOMYOMATA 1, WITH OR WITHOUT RENAL CELL CARCINOMA; LEIOMYOMA, MULTIPLE CUTANEOUS; Reed syndrome; Multiple cutaneous and uterine leiomyomatosis; Cutaneous leiomyomata with uterine leiomyomata. Identifiers: Orphanet 523, MedGen C1708350, MONDO:0007888, OMIM 150800, HP:0007437. Disease mechanism: loss of function.
Fumarase deficiency (FMRD). Also called: Fumarate Hydratase Deficiency; Fumaric aciduria. Identifiers: Orphanet 24, MedGen C0342770, MONDO:0011730, OMIM 606812.

Submissions (3):

Labcorp Genetics (formerly Invitae), Labcorp
Classification: Pathogenic. Last evaluated: 2026-01-26. Review status: criteria provided, single submitter. Criteria: Invitae Variant Classification Sherloc (09022015). Collection method: clinical testing. Allele origin: germline.
Comment: This sequence change creates a premature translational stop signal (p.Gln212*) in the FH gene. It is expected to result in an absent or disrupted protein product. Loss-of-function variants in FH are known to be pathogenic (PMID: 11865300, 21398687). This variant is not present in population databases (gnomAD no frequency). This variant has not been reported in the literature in individuals affected with FH-related conditions. ClinVar contains an entry for this variant (Variation ID: 460367). For these reasons, this variant has been classified as Pathogenic.

Ambry Genetics
Classification: Pathogenic for Hereditary cancer-predisposing syndrome. Last evaluated: 2025-12-30. Review status: criteria provided, single submitter. Criteria: Ambry Variant Classification Scheme 2023. Collection method: clinical testing. Allele origin: germline.
Comment: The p.Q212* pathogenic mutation (also known as c.634C>T), located in coding exon 5 of the FH gene, results from a C to T substitution at nucleotide position 634. This changes the amino acid from a glutamine to a stop codon within coding exon 5. This variant is considered to be rare based on population cohorts in the Genome Aggregation Database (gnomAD). This alteration is expected to result in loss of function by premature protein truncation or nonsense-mediated mRNA decay. As such, this alteration is interpreted as a disease-causing mutation.

Juno Genomics, Hangzhou Juno Genomics, Inc
Classification: Likely pathogenic for Fumarase deficiency; Hereditary leiomyomatosis and renal cell cancer. Review status: criteria provided, single submitter. Criteria: ACMG Guidelines, 2015. Collection method: clinical testing. Allele origin: germline.
Comment: Null variant in a gene where loss of function (LOF) is a known mechanism of disease.;Absent from controls (or at extremely low frequency if recessive) in Genome Aggregation Database.

Literature cited by the submitters: PubMed 11865300 (cited by Labcorp Genetics (formerly Invitae), Labcorp); PubMed 21398687 (cited by Labcorp Genetics (formerly Invitae), Labcorp).